The following is an entry in ClinVar:

NM_015512.5(DNAH1):c.7690G>A (p.Ala2564Thr)

Gene: DNAH1 (dynein axonemal heavy chain 1; plus strand). Cytogenetic location: 3p21.1.
Variant type: single nucleotide variant.
Coding change: c.7690G>A on transcript NM_015512.5 (MANE Select); coding-DNA position 7690, G replaced by A.
Protein change: p.Ala2564Thr; replaces alanine 2564 with threonine.
Molecular consequence: missense variant.
Genome position (GRCh38, 1-based): chr3:52,381,721, G>A. VCF-style: chr3-52381721-G-A. GRCh37 (hg19) VCF-style: chr3-52415737-G-A.
Other names: short protein forms A2564T.
Identifiers: ClinVar variation 963585 (VCV000963585.5), dbSNP rs61734632, ClinGen allele CA2434952.

ClinVar aggregate classification (germline): Uncertain significance (1 of 4 stars; one submission).

Conditions:
Ciliary dyskinesia, primary, 37 (CILD37). Also called: CILIARY DYSKINESIA, PRIMARY, 37, WITH OR WITHOUT SITUS INVERSUS. Identifiers: MedGen C4539798, MONDO:0033204, OMIM 617577.
Spermatogenic failure 18. Identifiers: MedGen C4539783, MONDO:0054615, OMIM 617576.

Allele frequency attached by ClinVar (database versions not stated): gnomAD 0.00006; TOPMed 0.00008.

Submission:

Labcorp Genetics (formerly Invitae), Labcorp
Classification: Uncertain significance for Ciliary dyskinesia, primary, 37; Spermatogenic failure 18. Last evaluated: 2023-11-11. Review status: criteria provided, single submitter. Criteria: Invitae Variant Classification Sherloc (09022015). Collection method: clinical testing. Allele origin: germline.
Comment: This sequence change replaces alanine, which is neutral and non-polar, with threonine, which is neutral and polar, at codon 2564 of the DNAH1 protein (p.Ala2564Thr). The frequency data for this variant in the population databases is considered unreliable, as metrics indicate poor data quality at this position in the gnomAD database. This variant has not been reported in the literature in individuals affected with DNAH1-related conditions. ClinVar contains an entry for this variant (Variation ID: 963585). Advanced modeling of protein sequence and biophysical properties (such as structural, functional, and spatial information, amino acid conservation, physicochemical variation, residue mobility, and thermodynamic stability) performed at Invitae indicates that this missense variant is not expected to disrupt DNAH1 protein function with a negative predictive value of 80%. In summary, the available evidence is currently insufficient to determine the role of this variant in disease. Therefore, it has been classified as a Variant of Uncertain Significance.